The following is an entry in ClinVar:

NM_001061.7(TBXAS1):c.236+12A>G

Gene: TBXAS1 (thromboxane A synthase 1; plus strand). Cytogenetic location: 7q34.
Variant type: single nucleotide variant.
Coding change: c.236+12A>G on transcript NM_001061.7 (MANE Select); 12 bases into the intron after coding-DNA position 236, A replaced by G.
Molecular consequence: intron variant. On other transcripts: synonymous variant (1).
Genome position (GRCh38, 1-based): chr7:139,875,649, A>G. VCF-style: chr7-139875649-A-G. GRCh37 (hg19) VCF-style: chr7-139575448-A-G.
Other names: c.162A>G, p.Lys54= (NM_001314028.4); c.236+12A>G (NM_001130966.5, NM_001166253.4, NM_030984.6 and 1 more transcripts); c.35+12A>G (NM_001166254.4); c.150+12A>G (NM_001366537.3).
Identifiers: ClinVar variation 4983879 (VCV004983879.1).

ClinVar aggregate classification (germline): Likely benign (1 of 4 stars; one submission).

Conditions:
TBXAS1-related disorder. Also called: TBXAS1-related condition.

Submission:

PreventionGenetics, part of Exact Sciences
Classification: Likely benign for TBXAS1-related condition. Last evaluated: 2025-10-13. Review status: criteria provided, single submitter. Criteria: ACMG Guidelines, 2015. Collection method: clinical testing. Allele origin: germline.
Comment: This variant is classified as likely benign based on ACMG/AMP sequence variant interpretation guidelines (Richards et al. 2015 PMID: 25741868, with internal and published modifications).